The following is an entry in ClinVar:

NM_000038.6(APC):c.4399C>T (p.Pro1467Ser)

Gene: APC (APC regulator of Wnt signaling pathway; plus strand). Cytogenetic location: 5q22.2.
Variant type: single nucleotide variant.
Coding change: c.4399C>T on transcript NM_000038.6 (MANE Select); coding-DNA position 4399, C replaced by T.
Protein change: p.Pro1467Ser; replaces proline 1467 with serine.
Molecular consequence: missense variant.
Genome position (GRCh38, 1-based): chr5:112,839,993, C>T. VCF-style: chr5-112839993-C-T. GRCh37 (hg19) VCF-style: chr5-112175690-C-T.
Other names: NM_000038.6(APC):c.4399C>T; p.Pro1467Ser; c.4399C>T, p.Pro1467Ser (NM_001127510.3, NM_001354895.2); c.4345C>T, p.Pro1449Ser (NM_001127511.3); c.4453C>T, p.Pro1485Ser (NM_001354896.2); c.4429C>T, p.Pro1477Ser (NM_001354897.2); c.4324C>T, p.Pro1442Ser (NM_001354898.2); c.4315C>T, p.Pro1439Ser (NM_001354899.2); and 7 more; short protein forms P1467S, P1449S, P1341S, P1439S, P1366S, P1477S, P1184S, P1307S.
Identifiers: ClinVar variation 411419 (VCV000411419.28), dbSNP rs749142480, ClinGen allele CA038968.

ClinVar aggregate classification (germline): Benign. Review status: reviewed by expert panel (3 of 4 stars). 11 submissions from 11 submitters: Benign (1). 10 of the submissions do not count toward it. Last evaluated 2023-02-26.

Conditions:
Familial adenomatous polyposis 1 (FAP1). Also called: FAMILIAL ADENOMATOUS POLYPOSIS 1, ATTENUATED; POLYPOSIS, ADENOMATOUS INTESTINAL. Identifiers: MedGen C2713442, MONDO:0021056, OMIM 175100. Disease mechanism: loss of function.
Gastric adenocarcinoma and proximal polyposis of the stomach (GAPPS). Also called: POLYPOSIS, GASTRIC; Gastric Adenocarcinoma and Proximal Polyposis of the Stomach (GAPPS); Polyposis, gastric, Dos Santos and de Magalhaes 1980. Identifiers: Orphanet 314022, MedGen C4749917, MONDO:0017790, OMIM 619182.
Desmoid disease, hereditary (DESMD). Also called: FIBROMATOSIS, FAMILIAL INFILTRATIVE. Identifiers: Orphanet 873, MedGen C1851124, OMIM 135290. Disease mechanism: loss of function.
Hepatocellular carcinoma (HCC). Also called: Primary carcinoma of liver; HEPATOMA; LIVER CELL CARCINOMA. Identifiers: Orphanet 88673, MedGen C2239176, MONDO:0007256, OMIM 114550, HP:0001402.
Gastric cancer. Also called: Malignant tumor of stomach; Stomach cancer. Identifiers: MedGen C0024623, MeSH D013274, MONDO:0001056, OMIM 613659, HP:0012126.
Colorectal cancer. Also called: Malignant Colorectal Neoplasm; Colorectal cancer, somatic. Identifiers: MedGen C0346629, MONDO:0005575, OMIM 114500.
Hereditary cancer-predisposing syndrome. Also called: Neoplastic Syndromes, Hereditary; Hereditary Cancer Syndrome; Hereditary neoplastic syndrome; Tumor predisposition. Identifiers: Orphanet 140162, MedGen C0027672, MeSH D009386, MONDO:0015356.
Classic or attenuated familial adenomatous polyposis. Identifiers: MedGen CN372698, MONDO:0021057.

Allele frequency attached by ClinVar (database versions not stated): TOPMed 0.00001; ExAC 0.00002; gnomAD exomes 0.00002 and 0.00005.
gnomAD v4.1: 72 of 1,614,100 alleles (0.0045%); highest among the groups gnomAD compares: Non-Finnish European, 0.0058%; no homozygotes.

Submissions (11):

ClinGen InSiGHT Hereditary Colorectal Cancer/Polyposis Variant Curation Expert Panel
Classification: Benign for Familial adenomatous polyposis 1. Last evaluated: 2023-02-26. Review status: reviewed by expert panel. Criteria: ClinGen InSiGHT HCCP VCEP ACMG Specifications APC V1. Collection method: curation. Allele origin: germline. Inheritance: Autosomal dominant inheritance.
Comment: The c.4399C>T variant in APC is a missense variant predicted to cause the substitution of Proline by Serine at amino acid position 1467 (p.Pro1467Ser). APC is defined by the ClinGen InSiGHT Hereditary Colorectal Cancer/Polyposis Variant Curation Expert Panel (HCCP VCEP) as a gene for which primarily truncating variants are known to cause disease (BP1). This variant has been observed in a heterozygous state in 75 healthy unrelated adult individuals worth more than 10 healthy individual points in total (BS2; Ambry Genetics, Invitae and GeneDX internal data). In addition, it has also been observed in 1 patient with an alternate molecular basis for disease – a pathogenic MSH6 germline variant (BP5; Melbourne Internal data). Functional study of beta-catenin-regulated transcription assays indicate that this alteration suppresses CRT as effectively as the wild type (BS3_Supporting; PMID: 18199528). The highest population minor allele frequency in gnomAD v2.1.1 (non-cancer) is 0.0048% in European (non-Finnish) population, which is higher than the HCCP VCEP threshold (0.001%) for BS1, and therefore meets this criterion (BS1). In summary, this variant meets the criteria to be classified as Benign for FAP based on the ACMG/AMP criteria applied, as specified by the HCCP VCEP: BS1, BS2, BS3_Supporting, BP1 and BP5 (VCEP Specification version 1, date of approval: 12/12/2022).

Labcorp Genetics (formerly Invitae), Labcorp
Classification: Uncertain significance for Familial adenomatous polyposis 1. Last evaluated: 2026-01-13. Review status: criteria provided, single submitter. Criteria: Invitae Variant Classification Sherloc (09022015). Collection method: clinical testing. Allele origin: germline. Not counted in ClinVar's aggregate classification.
Comment: This sequence change replaces proline, which is neutral and non-polar, with serine, which is neutral and polar, at codon 1467 of the APC protein (p.Pro1467Ser). This variant is present in population databases (rs749142480, gnomAD 0.007%). This missense change has been observed in individual(s) with colorectal adenomas (PMID: 18199528, 21859464). ClinVar contains an entry for this variant (Variation ID: 411419). Invitae Evidence Modeling of protein sequence and biophysical properties (such as structural, functional, and spatial information, amino acid conservation, physicochemical variation, residue mobility, and thermodynamic stability) indicates that this missense variant is not expected to disrupt APC protein function with a negative predictive value of 95%. In summary, the available evidence is currently insufficient to determine the role of this variant in disease. Therefore, it has been classified as a Variant of Uncertain Significance.

Quest Diagnostics Nichols Institute San Juan Capistrano
Classification: Uncertain significance. Last evaluated: 2024-10-19. Review status: criteria provided, single submitter. Criteria: Quest Diagnostics criteria. Collection method: clinical testing. Allele origin: unknown. Not counted in ClinVar's aggregate classification.
Comment: The APC c.4399C>T (p.Pro1467Ser) variant has been reported in the published literature in an individual with colon polyps (PMID: 18199528 (2008)). A functional study found that this variant was not damaging to protein function (PMID: 18199528 (2008)). The frequency of this variant in the general population, 0.000044 (5/113492 chromosomes (Genome Aggregation Database)), is uninformative in the assessment of its pathogenicity. Analysis of this variant using bioinformatics tools for the prediction of the effect of amino acid changes on protein structure and function yielded conflicting predictions that this variant is deleterious or benign. Based on the available information, we are unable to determine the clinical significance of this variant.

All of Us Research Program, National Institutes of Health
Classification: Uncertain significance for Classic or attenuated familial adenomatous polyposis. Last evaluated: 2024-08-13. Review status: criteria provided, single submitter. Criteria: ACMG Guidelines, 2015. Collection method: clinical testing. Allele origin: germline. Inheritance: Autosomal dominant inheritance. Observed: 5 variant alleles, 5 heterozygotes. Not counted in ClinVar's aggregate classification.
Comment: This missense variant replaces proline with serine at codon 1467 of the APC protein. Computational prediction is inconclusive regarding the impact of this variant on protein structure and function (internally defined REVEL score threshold 0.5 < inconclusive < 0.7, PMID: 27666373). This variant retained >80% of wild-type activity in a catenin-regulated transcription assay (PMID: 18199528). This variant has not been reported in individuals affected with APC-related disorders in the literature. This variant has been identified in 6/251166 chromosomes in the general population by the Genome Aggregation Database (gnomAD). The available evidence is insufficient to determine the role of this variant in disease conclusively. Therefore, this variant is classified as a Variant of Uncertain Significance.

This study involves interpretation of variants in research participants for the purpose of population health screening. Participant phenotype was not available at the time of variant classification. Additional details can be found in publication PMID: 35346344, PMCID: PMC8962531

Color Diagnostics, LLC DBA Color Health
Classification: Uncertain significance for Hereditary cancer-predisposing syndrome. Last evaluated: 2024-07-30. Review status: criteria provided, single submitter. Criteria: ACMG Guidelines, 2015. Collection method: clinical testing. Allele origin: germline. Not counted in ClinVar's aggregate classification.
Comment: This missense variant replaces proline with serine at codon 1467 of the APC protein. Computational prediction is inconclusive regarding the impact of this variant on protein structure and function (internally defined REVEL score threshold 0.5 < inconclusive < 0.7, PMID: 27666373). This variant retained >80% of wild-type activity in a catenin-regulated transcription assay (PMID: 18199528). This variant has not been reported in individuals affected with APC-related disorders in the literature. This variant has been identified in 6/251166 chromosomes in the general population by the Genome Aggregation Database (gnomAD). The available evidence is insufficient to determine the role of this variant in disease conclusively. Therefore, this variant is classified as a Variant of Uncertain Significance.

Myriad Genetics, Inc.
Classification: Uncertain significance for Familial adenomatous polyposis 1. Last evaluated: 2023-02-14. Review status: criteria provided, single submitter. Criteria: Myriad Autosomal Dominant, Autosomal Recessive and X-Linked Classification Criteria (2023). Collection method: clinical testing. Allele origin: unknown. Not counted in ClinVar's aggregate classification.
Comment: This variant is classified as a variant of uncertain significance as there is insufficient evidence to determine its impact on protein function and/or cancer risk.

GeneDx
Classification: Uncertain significance. Last evaluated: 2022-06-20. Review status: criteria provided, single submitter. Criteria: GeneDx Variant Classification Process June 2021. Collection method: clinical testing. Allele origin: germline. Affected: yes. Not counted in ClinVar's aggregate classification.
Comment: Observed in at least one individual with multiple colon polyps (Azzopardi 2008); Published functional study demonstrated p.P1467S suppresses beta-catenin-regulated transcription similar to wild-type (Azzopardi 2008); In silico analysis supports that this missense variant does not alter protein structure/function; This variant is associated with the following publications: (PMID: 21859464, 18199528)

Ambry Genetics
Classification: Likely benign for Hereditary cancer-predisposing syndrome. Last evaluated: 2022-05-25. Review status: criteria provided, single submitter. Criteria: Ambry Variant Classification Scheme 2023. Collection method: clinical testing. Allele origin: germline. Not counted in ClinVar's aggregate classification.

Fulgent Genetics
Classification: Uncertain significance for Colorectal cancer; Hepatocellular carcinoma; Desmoid disease, hereditary; Familial adenomatous polyposis 1; Gastric cancer; Gastric adenocarcinoma and proximal polyposis of the stomach. Last evaluated: 2022-01-11. Review status: criteria provided, single submitter. Criteria: ACMG Guidelines, 2015. Collection method: clinical testing. Allele origin: unknown. Not counted in ClinVar's aggregate classification.

Sema4
Classification: Uncertain significance for Hereditary cancer-predisposing syndrome. Last evaluated: 2021-11-15. Review status: criteria provided, single submitter. Criteria: Sema4 Curation Guidelines. Collection method: curation. Allele origin: germline. Not counted in ClinVar's aggregate classification.
Comment: The APC c.4399C>T (p.P1467S) variant has been reported in at least one individual with colorectal adenomas (PMID: 18199528). It was observed in 6/251166 chromosomes across all populations in the large and broad cohorts of the Genome Aggregation Database (PMID: 32461654). The variant has been reported in ClinVar (Variation ID 411419). Functional studies have not been performed, and in silico predictions of the variant's effect on protein function are inconclusive. The evidence is insufficient to meet ACMG/AMP criteria for classifying the variant as benign or pathogenic. Thus, the clinical significance of this variant is currently uncertain.

Counsyl
Classification: Uncertain significance for Familial adenomatous polyposis 1. Last evaluated: 2017-04-10. Review status: no assertion criteria provided. Collection method: clinical testing. Allele origin: unknown. Not counted in ClinVar's aggregate classification.

Literature cited by the submitters: PubMed 18199528 (cited by 7 submitters); PubMed 21859464 (cited by Labcorp Genetics (formerly Invitae), Labcorp).